The following is an entry in ClinVar:

ClinVar aggregate classification (germline): Uncertain significance (1 of 4 stars; one submission).

Allele frequency attached by ClinVar (database versions not stated): gnomAD exomes below 0.00001; gnomAD 0.00001.

Submission:

Labcorp Genetics (formerly Invitae), Labcorp
Classification: Uncertain significance. Last evaluated: 2023-04-26. Review status: criteria provided, single submitter. Criteria: Invitae Variant Classification Sherloc (09022015). Collection method: clinical testing. Allele origin: germline.
Comment: This sequence change replaces alanine, which is neutral and non-polar, with valine, which is neutral and non-polar, at codon 659 of the LAMC3 protein (p.Ala659Val). This variant is not present in population databases (gnomAD no frequency). This variant has not been reported in the literature in individuals affected with LAMC3-related conditions. ClinVar contains an entry for this variant (Variation ID: 1472720). An algorithm developed to predict the effect of missense changes on protein structure and function (PolyPhen-2) suggests that this variant is likely to be disruptive. In summary, the available evidence is currently insufficient to determine the role of this variant in disease. Therefore, it has been classified as a Variant of Uncertain Significance.

NM_006059.4(LAMC3):c.1976C>T (p.Ala659Val)

Gene: LAMC3 (laminin subunit gamma 3; plus strand). Cytogenetic location: 9q34.12.
Variant type: single nucleotide variant.
Coding change: c.1976C>T on transcript NM_006059.4 (MANE Select); coding-DNA position 1976, C replaced by T.
Protein change: p.Ala659Val; replaces alanine 659 with valine.
Molecular consequence: missense variant.
Genome position (GRCh38, 1-based): chr9:131,056,965, C>T. VCF-style: chr9-131056965-C-T. GRCh37 (hg19) VCF-style: chr9-133932352-C-T.
Other names: short protein forms A659V.
Identifiers: ClinVar variation 1472720 (VCV001472720.6), dbSNP rs1834419436, ClinGen allele CA375265525.